The following is an entry in ClinVar:

ClinVar aggregate classification (germline): Likely benign. Review status: criteria provided, multiple submitters, no conflicts (2 of 4 stars). 3 submissions from 3 submitters: Likely benign (3). Last evaluated 2025-10-10.

Conditions:
Inborn genetic diseases. Identifiers: MedGen C0950123, MeSH D030342.

gnomAD v4.1: 253 of 1,586,686 alleles (0.016%); highest among the groups gnomAD compares: African/African-American, 0.25%; no homozygotes.

Submissions (3):

Women's Health and Genetics/Laboratory Corporation of America, LabCorp
Classification: Likely benign. Last evaluated: 2025-10-10. Review status: criteria provided, single submitter. Criteria: LabCorp Variant Classification Summary - May 2015. Collection method: clinical testing. Allele origin: germline.
Comment: Variant summary: GP1BA c.1375G>A (p.Ala459Thr) results in a non-conservative amino acid change in the encoded protein sequence. Algorithms developed to predict the effect of missense changes on protein structure and function are either unavailable or do not agree on the potential impact of this missense change. The variant allele was found at a frequency of 0.00019 in 216572 control chromosomes, predominantly at a frequency of 0.0028 within the African or African-American subpopulation in the gnomAD database. The observed variant frequency within African or African-American control individuals in the gnomAD database exceeds the estimated maximal expected allele frequency for disease-causing variants in GP1BA. To our knowledge, no occurrence of c.1375G>A in individuals affected with GP1BA-related conditions and no experimental evidence demonstrating its impact on protein function have been reported. ClinVar contains an entry for this variant (Variation ID: 4030971). Based on the evidence outlined above, the variant was classified as likely benign.

Ambry Genetics
Classification: Likely benign for Inborn genetic diseases. Last evaluated: 2025-04-19. Review status: criteria provided, single submitter. Criteria: Ambry Variant Classification Scheme 2023. Collection method: clinical testing. Allele origin: germline.

Blueprint Genetics
Classification: Likely benign. Last evaluated: 2023-02-23. Review status: criteria provided, single submitter. Criteria: ACMG Guidelines, 2015. Collection method: clinical testing. Allele origin: germline.

NM_000173.7(GP1BA):c.1375G>A (p.Ala459Thr)

Gene: GP1BA (glycoprotein Ib platelet subunit alpha; plus strand). Cytogenetic location: 17p13.2.
Variant type: single nucleotide variant.
Coding change: c.1375G>A on transcript NM_000173.7 (MANE Select); coding-DNA position 1375, G replaced by A.
Protein change: p.Ala459Thr; replaces alanine 459 with threonine.
Molecular consequence: missense variant.
Genome position (GRCh38, 1-based): chr17:4,933,979, G>A. VCF-style: chr17-4933979-G-A. GRCh37 (hg19) VCF-style: chr17-4837274-G-A.
Other names: short protein forms A459T.
Identifiers: ClinVar variation 4030971 (VCV004030971.3).